The following is an entry in ClinVar:

NM_006204.4(PDE6C):c.695T>C (p.Met232Thr)

Gene: PDE6C (phosphodiesterase 6C; plus strand). Cytogenetic location: 10q23.33.
Variant type: single nucleotide variant.
Coding change: c.695T>C on transcript NM_006204.4 (MANE Select); coding-DNA position 695, T replaced by C.
Protein change: p.Met232Thr; replaces methionine 232 with threonine.
Molecular consequence: missense variant.
Genome position (GRCh38, 1-based): chr10:93,620,952, T>C. VCF-style: chr10-93620952-T-C. GRCh37 (hg19) VCF-style: chr10-95380709-T-C.
Other names: short protein forms M232T.
Identifiers: ClinVar variation 1057959 (VCV001057959.8), dbSNP rs1390467989, ClinGen allele CA377627514.

ClinVar aggregate classification (germline): Uncertain significance. Review status: criteria provided, multiple submitters, no conflicts (2 of 4 stars). 2 submissions from 2 submitters: Uncertain significance (2). Last evaluated 2024-08-09.

Allele frequency attached by ClinVar (database versions not stated): gnomAD exomes below 0.00001; gnomAD 0.00001; TOPMed 0.00001.
gnomAD v4.1: 3 of 1,613,824 alleles (0.00019%); highest among the groups gnomAD compares: Admixed American, 0.0017%; no homozygotes.

Submissions (2):

Labcorp Genetics (formerly Invitae), Labcorp
Classification: Uncertain significance. Last evaluated: 2024-08-09. Review status: criteria provided, single submitter. Criteria: Invitae Variant Classification Sherloc (09022015). Collection method: clinical testing. Allele origin: germline.
Comment: This sequence change replaces methionine, which is neutral and non-polar, with threonine, which is neutral and polar, at codon 232 of the PDE6C protein (p.Met232Thr). This variant is present in population databases (no rsID available, gnomAD 0.003%). This missense change has been observed in individual(s) with clinical features of retinal cone dystrophy (Invitae). In at least one individual the data is consistent with being in trans (on the opposite chromosome) from a pathogenic variant. ClinVar contains an entry for this variant (Variation ID: 1057959). Advanced modeling of protein sequence and biophysical properties (such as structural, functional, and spatial information, amino acid conservation, physicochemical variation, residue mobility, and thermodynamic stability) performed at Invitae indicates that this missense variant is not expected to disrupt PDE6C protein function with a negative predictive value of 80%. In summary, the available evidence is currently insufficient to determine the role of this variant in disease. Therefore, it has been classified as a Variant of Uncertain Significance.

GeneDx
Classification: Uncertain significance. Last evaluated: 2021-05-19. Review status: criteria provided, single submitter. Criteria: GeneDx Variant Classification Process June 2021. Collection method: clinical testing. Allele origin: germline. Affected: yes.
Comment: Not observed at a significant frequency in large population cohorts (Lek et al., 2016); In silico analysis supports that this missense variant has a deleterious effect on protein structure/function; Has not been previously published as pathogenic or benign to our knowledge